The following is an entry in ClinVar:

NM_005861.4(STUB1):c.518G>T (p.Arg173Leu)

Gene: STUB1 (STIP1 homology and U-box containing protein 1; plus strand). Cytogenetic location: 16p13.3.
Variant type: single nucleotide variant.
Coding change: c.518G>T on transcript NM_005861.4 (MANE Select); coding-DNA position 518, G replaced by T.
Protein change: p.Arg173Leu; replaces arginine 173 with leucine.
Molecular consequence: missense variant.
Genome position (GRCh38, 1-based): chr16:681,597, G>T. VCF-style: chr16-681597-G-T. GRCh37 (hg19) VCF-style: chr16-731597-G-T.
Other names: c.302G>T, p.Arg101Leu (NM_001293197.2); short protein forms R101L, R173L.
Identifiers: ClinVar variation 1687157 (VCV001687157.2), dbSNP rs755346712, ClinGen allele CA394112664.

ClinVar aggregate classification (germline): Uncertain significance. Review status: criteria provided, multiple submitters, no conflicts (2 of 4 stars). 2 submissions from 2 submitters: Uncertain significance (2). Last evaluated 2023-10-11.

Conditions:
Autosomal recessive spinocerebellar ataxia 16. Identifiers: Orphanet 412057, MedGen C5190574, MONDO:0014339, OMIM 615768.

Allele frequency attached by ClinVar (database versions not stated): TOPMed below 0.00001; gnomAD 0.00001.
gnomAD v4.1: 5 of 1,607,192 alleles (0.00031%); highest among the groups gnomAD compares: Non-Finnish European, 0.00042%; no homozygotes.

Submissions (2):

GeneDx
Classification: Uncertain significance. Last evaluated: 2023-10-11. Review status: criteria provided, single submitter. Criteria: GeneDx Variant Classification Process June 2021. Collection method: clinical testing. Allele origin: germline. Affected: yes.
Comment: Not observed at significant frequency in large population cohorts (gnomAD); In silico analysis supports that this missense variant does not alter protein structure/function; Has not been previously published as pathogenic or benign to our knowledge

3billion
Classification: Uncertain significance for Autosomal recessive spinocerebellar ataxia 16. Last evaluated: 2022-05-22. Review status: criteria provided, single submitter. Criteria: ACMG Guidelines, 2015. Collection method: clinical testing. Allele origin: germline. Affected: yes. Observed: 1 heterozygote.
Comment: The variant is not observed in the gnomAD v2.1.1 dataset. The variant is in trans with the NM_005861.4:c.469C>T variant. In silico tool predictions suggest no damaging effect of the variant on gene or gene product (REVEL: 0.12; 3Cnet: 0.02). None. Therefore, this variant is classified as uncertain significanceaccording to the recommendation of ACMG/AMP guideline.